The following is an entry in ClinVar:

NM_004667.6(HERC2):c.10500G>A (p.Thr3500=)

Gene: HERC2 (HECT and RLD domain containing E3 ubiquitin protein ligase 2; minus strand). Cytogenetic location: 15q13.1.
Variant type: single nucleotide variant.
Coding change: c.10500G>A on transcript NM_004667.6 (MANE Select); coding-DNA position 10500, G replaced by A.
Protein change: p.Thr3500=; no amino-acid change (threonine 3500 retained).
Molecular consequence: synonymous variant.
Genome position (GRCh38, 1-based): chr15:28,167,741, C>T on the plus strand (G>A on the coding strand, the complement: HERC2 is on the minus strand). VCF-style: chr15-28167741-C-T. GRCh37 (hg19) VCF-style: chr15-28412887-C-T.
Identifiers: ClinVar variation 3047515 (VCV003047515.3), dbSNP rs751824995, ClinGen allele CA7440818.

ClinVar aggregate classification (germline): Likely benign. Review status: criteria provided, single submitter (1 of 4 stars). 2 submissions from 2 submitters: Likely benign (1). 1 of the submissions does not count toward it. Last evaluated 2023-10-23.

Conditions:
HERC2-related disorder. Also called: HERC2-related condition.

Allele frequency attached by ClinVar (database versions not stated): TOPMed below 0.00001; gnomAD 0.00001; ExAC 0.00002.
gnomAD v4.1: 22 of 1,614,002 alleles (0.0014%); highest among the groups gnomAD compares: Admixed American, 0.015%; no homozygotes.

Submissions (2):

Blueprint Genetics
Classification: Likely benign. Last evaluated: 2023-10-23. Review status: criteria provided, single submitter. Criteria: ACMG Guidelines, 2015. Collection method: clinical testing. Allele origin: germline.

PreventionGenetics, part of Exact Sciences
Classification: Likely benign for HERC2-related condition. Last evaluated: 2020-03-20. Review status: no assertion criteria provided. Collection method: clinical testing. Allele origin: germline. Not counted in ClinVar's aggregate classification.
Comment: This variant is classified as likely benign based on ACMG/AMP sequence variant interpretation guidelines (Richards et al. 2015 PMID: 25741868, with internal and published modifications).